The following is an entry in ClinVar:

ClinVar aggregate classification (germline): Uncertain significance (1 of 4 stars; one submission).

Conditions:
Carnitine palmitoyl transferase 1A deficiency. Also called: Carnitine palmitoyltransferase type I deficiency; CPT deficiency, hepatic, type IA; CPT I DEFICIENCY; CPT DEFICIENCY, HEPATIC, TYPE I; Carnitine palmitoyltransferase 1A deficiency. Identifiers: Orphanet 156, MedGen C1829703, MONDO:0009705, OMIM 255120.

Allele frequency attached by ClinVar (database versions not stated): gnomAD exomes below 0.00001.

Submission:

Labcorp Genetics (formerly Invitae), Labcorp
Classification: Uncertain significance for Carnitine palmitoyl transferase 1A deficiency. Last evaluated: 2022-04-05. Review status: criteria provided, single submitter. Criteria: Invitae Variant Classification Sherloc (09022015). Collection method: clinical testing. Allele origin: germline.
Comment: This sequence change replaces serine, which is neutral and polar, with phenylalanine, which is neutral and non-polar, at codon 592 of the CPT1A protein (p.Ser592Phe). This variant is not present in population databases (gnomAD no frequency). This variant has not been reported in the literature in individuals affected with CPT1A-related conditions. Algorithms developed to predict the effect of missense changes on protein structure and function are either unavailable or do not agree on the potential impact of this missense change (SIFT: "Deleterious"; PolyPhen-2: "Probably Damaging"; Align-GVGD: "Class C15"). In summary, the available evidence is currently insufficient to determine the role of this variant in disease. Therefore, it has been classified as a Variant of Uncertain Significance.

NM_001876.4(CPT1A):c.1775C>T (p.Ser592Phe)

Gene: CPT1A (carnitine palmitoyltransferase 1A; minus strand). Cytogenetic location: 11q13.3.
Variant type: single nucleotide variant.
Coding change: c.1775C>T on transcript NM_001876.4 (MANE Select); coding-DNA position 1775, C replaced by T.
Protein change: p.Ser592Phe; replaces serine 592 with phenylalanine.
Molecular consequence: missense variant.
Genome position (GRCh38, 1-based): chr11:68,762,727, G>A on the plus strand (C>T on the coding strand, the complement: CPT1A is on the minus strand). VCF-style: chr11-68762727-G-A. GRCh37 (hg19) VCF-style: chr11-68530195-G-A.
Other names: c.1775C>T, p.Ser592Phe (NM_001031847.3); short protein forms S592F.
Identifiers: ClinVar variation 2121818 (VCV002121818.4), dbSNP rs2495518281, ClinGen allele CA381627721.